The following is an entry in ClinVar:

NM_000218.3(KCNQ1):c.554_575del (p.Val185fs)

Gene: KCNQ1 (potassium voltage-gated channel subfamily Q member 1; plus strand). Cytogenetic location: 11p15.5.
Variant type: Deletion.
Coding change: c.554_575del on transcript NM_000218.3 (MANE Select); coding-DNA positions 554 to 575, 22 bases deleted (TGGGCCTCTGGGGGCGGCTGCG).
Protein change: p.Val185fs; shifts the reading frame from valine 185.
Molecular consequence: frameshift variant.
Genome position (GRCh38, 1-based): chr11:2,570,704-2,570,725, TGGGCCTCTGGGGGCGGCTGCG deleted; deleting any 22 consecutive bases within chr11:2,570,702-2,570,725 gives the same sequence; the c. name uses the placement nearest the transcript's 3' end. VCF-style (leftmost placement, unchanged base first): chr11-2570701-ACGTGGGCCTCTGGGGGCGGCTG-A. GRCh37 (hg19) VCF-style: chr11-2591931-ACGTGGGCCTCTGGGGGCGGCTG-A.
Other names: c.554_575del22, p.Val185Alafs (NM_001406836.1); c.284_305del22, p.Val95Alafs (NM_001406837.1); c.173_194del22, p.Val58Alafs (NM_181798.2); short protein forms V185fs, V58fs.
Identifiers: ClinVar variation 2102490 (VCV002102490.4), dbSNP rs2493667802, ClinGen allele CA2580082606.

ClinVar aggregate classification (germline): Pathogenic (1 of 4 stars; one submission).

Conditions:
Long QT syndrome (LQTS). Identifiers: MedGen C0023976, MeSH D008133, MONDO:0002442. Disease mechanism: loss of function. Inheritance: Various modes of inheritance.

Submission:

Labcorp Genetics (formerly Invitae), Labcorp
Classification: Pathogenic for Long QT syndrome. Last evaluated: 2022-02-23. Review status: criteria provided, single submitter. Criteria: Invitae Variant Classification Sherloc (09022015). Collection method: clinical testing. Allele origin: germline.
Comment: This variant has not been reported in the literature in individuals affected with KCNQ1-related conditions. For these reasons, this variant has been classified as Pathogenic. Algorithms developed to predict the effect of sequence changes on RNA splicing suggest that this variant may disrupt the consensus splice site. This variant is not present in population databases (gnomAD no frequency). This sequence change creates a premature translational stop signal (p.Val185Alafs*45) in the KCNQ1 gene. It is expected to result in an absent or disrupted protein product. Loss-of-function variants in KCNQ1 are known to be pathogenic (PMID: 9323054, 19862833).

Literature cited by the submitters: PubMed 9323054; PubMed 19862833.